The following is an entry in ClinVar:

NM_206933.4(USH2A):c.10182+5T>C

Gene: USH2A (usherin; minus strand). Cytogenetic location: 1q41.
Variant type: single nucleotide variant.
Coding change: c.10182+5T>C on transcript NM_206933.4 (MANE Select); 5 bases into the intron after coding-DNA position 10182, T replaced by C.
Molecular consequence: intron variant.
Genome position (GRCh38, 1-based): chr1:215,790,054, A>G on the plus strand (T>C on the coding strand, the complement: USH2A is on the minus strand). VCF-style: chr1-215790054-A-G. GRCh37 (hg19) VCF-style: chr1-215963396-A-G.
Identifiers: ClinVar variation 836001 (VCV000836001.7), dbSNP rs1049628868, ClinGen allele CA37442900.

ClinVar aggregate classification (germline): Uncertain significance. Review status: criteria provided, multiple submitters, no conflicts (2 of 4 stars). 5 submissions from 4 submitters: Uncertain significance (4). 1 of the submissions does not count toward it. Last evaluated 2024-10-29.

Conditions:
Usher syndrome type 2A. Also called: RETINAL DISEASE IN USHER SYNDROME TYPE IIA, MODIFIER OF; USHER SYNDROME, TYPE IIA. Identifiers: Orphanet 231178, Orphanet 886, MedGen C1848634, MONDO:0010169, OMIM 276901.
Retinitis pigmentosa 39 (RP39). Identifiers: Orphanet 791, MedGen C3151138, MONDO:0013436, OMIM 613809.

Allele frequency attached by ClinVar (database versions not stated): gnomAD exomes below 0.00001; gnomAD 0.00001; TOPMed 0.00002.
gnomAD v4.1: 5 of 1,612,528 alleles (0.00031%); highest among the groups gnomAD compares: Admixed American, 0.0017%; no homozygotes.

Submissions (5):

Labcorp Genetics (formerly Invitae), Labcorp
Classification: Uncertain significance. Last evaluated: 2024-10-29. Review status: criteria provided, single submitter. Criteria: Invitae Variant Classification Sherloc (09022015). Collection method: clinical testing. Allele origin: germline.
Comment: This sequence change falls in intron 51 of the USH2A gene. It does not directly change the encoded amino acid sequence of the USH2A protein. It affects a nucleotide within the consensus splice site. This variant is not present in population databases (gnomAD no frequency). This variant has not been reported in the literature in individuals affected with USH2A-related conditions. ClinVar contains an entry for this variant (Variation ID: 836001). Variants that disrupt the consensus splice site are a relatively common cause of aberrant splicing (PMID: 17576681, 9536098). Algorithms developed to predict the effect of sequence changes on RNA splicing suggest that this variant is not likely to affect RNA splicing. In summary, the available evidence is currently insufficient to determine the role of this variant in disease. Therefore, it has been classified as a Variant of Uncertain Significance.

Genome-Nilou Lab
Classification: Uncertain significance for Retinitis pigmentosa 39. Last evaluated: 2023-04-11. Review status: criteria provided, single submitter. Criteria: ACMG Guidelines, 2015. Collection method: clinical testing. Allele origin: germline. Affected: no.

Genome-Nilou Lab
Classification: Uncertain significance for Usher syndrome type 2A. Last evaluated: 2023-04-11. Review status: criteria provided, single submitter. Criteria: ACMG Guidelines, 2015. Collection method: clinical testing. Allele origin: germline. Affected: no.

Fulgent Genetics
Classification: Uncertain significance for Usher syndrome type 2A; Retinitis pigmentosa 39. Last evaluated: 2021-07-16. Review status: criteria provided, single submitter. Criteria: ACMG Guidelines, 2015. Collection method: clinical testing. Allele origin: unknown.

Natera, Inc.
Classification: Uncertain significance for Usher syndrome type 2A. Last evaluated: 2020-09-16. Review status: no assertion criteria provided. Collection method: clinical testing. Allele origin: germline. Not counted in ClinVar's aggregate classification.

Literature cited by the submitters: PubMed 17576681 (cited by Labcorp Genetics (formerly Invitae), Labcorp); PubMed 9536098 (cited by Labcorp Genetics (formerly Invitae), Labcorp).